The following is an entry in ClinVar:

NM_000141.5(FGFR2):c.533G>A (p.Arg178His)

Gene: FGFR2 (fibroblast growth factor receptor 2; minus strand). Cytogenetic location: 10q26.13.
Variant type: single nucleotide variant.
Coding change: c.533G>A on transcript NM_000141.5 (MANE Select); coding-DNA position 533, G replaced by A.
Protein change: p.Arg178His; replaces arginine 178 with histidine.
Molecular consequence: missense variant. On other transcripts: non-coding transcript variant (1).
Genome position (GRCh38, 1-based): chr10:121,551,381, C>T on the plus strand (G>A on the coding strand, the complement: FGFR2 is on the minus strand). VCF-style: chr10-121551381-C-T. GRCh37 (hg19) VCF-style: chr10-123310895-C-T.
Other names: c.533G>A, p.Arg178His (NM_001144913.1, NM_001144914.1, NM_001144917.2 and 2 more transcripts); c.266G>A, p.Arg89His (NM_001144915.2, NM_001144919.2, NM_023029.3); c.188G>A, p.Arg63His (NM_001144916.2, NM_001144918.2); short protein forms R89H, R63H, R178H.
Identifiers: ClinVar variation 1391701 (VCV001391701.6), dbSNP rs141796960, ClinGen allele CA5721108.

ClinVar aggregate classification (germline): Uncertain significance (1 of 4 stars; one submission).

Conditions:
FGFR2-related craniosynostosis. Identifiers: MedGen CN231480.

Allele frequency attached by ClinVar (database versions not stated): ExAC 0.00002; gnomAD 0.00002; TOPMed 0.00002; ESP Exome Variant Server 0.00008.
gnomAD v4.1: 17 of 1,614,044 alleles (0.0011%); highest among the groups gnomAD compares: East Asian, 0.0067%; no homozygotes.

Submission:

Labcorp Genetics (formerly Invitae), Labcorp
Classification: Uncertain significance for FGFR2-related craniosynostosis. Last evaluated: 2022-12-25. Review status: criteria provided, single submitter. Criteria: Invitae Variant Classification Sherloc (09022015). Collection method: clinical testing. Allele origin: germline.
Comment: Advanced modeling of protein sequence and biophysical properties (such as structural, functional, and spatial information, amino acid conservation, physicochemical variation, residue mobility, and thermodynamic stability) performed at Invitae indicates that this missense variant is expected to disrupt FGFR2 protein function. In summary, the available evidence is currently insufficient to determine the role of this variant in disease. Therefore, it has been classified as a Variant of Uncertain Significance. ClinVar contains an entry for this variant (Variation ID: 1391701). This variant has not been reported in the literature in individuals affected with FGFR2-related conditions. This variant is present in population databases (rs141796960, gnomAD 0.005%). This sequence change replaces arginine, which is basic and polar, with histidine, which is basic and polar, at codon 178 of the FGFR2 protein (p.Arg178His).